The following is an entry in ClinVar:

ClinVar aggregate classification (germline): Uncertain significance (1 of 4 stars; one submission).

Conditions:
Hereditary cancer-predisposing syndrome. Also called: Neoplastic Syndromes, Hereditary; Hereditary Cancer Syndrome; Hereditary neoplastic syndrome; Tumor predisposition. Identifiers: Orphanet 140162, MedGen C0027672, MeSH D009386, MONDO:0015356.

Submission:

Ambry Genetics
Classification: Uncertain significance for Hereditary cancer-predisposing syndrome. Last evaluated: 2023-04-18. Review status: criteria provided, single submitter. Criteria: Ambry Variant Classification Scheme 2023. Collection method: clinical testing. Allele origin: germline.
Comment: The p.L731I variant (also known as c.2191T>A), located in coding exon 13 of the PMS2 gene, results from a T to A substitution at nucleotide position 2191. The leucine at codon 731 is replaced by isoleucine, an amino acid with highly similar properties. This amino acid position is conserved. In addition, the in silico prediction for this alteration is inconclusive. Since supporting evidence is limited at this time, the clinical significance of this alteration remains unclear.

NM_000535.7(PMS2):c.2191T>A (p.Leu731Ile)

Gene: PMS2 (PMS1 homolog 2, mismatch repair system component; minus strand). Cytogenetic location: 7p22.1.
Variant type: single nucleotide variant.
Coding change: c.2191T>A on transcript NM_000535.7 (MANE Select); coding-DNA position 2191, T replaced by A.
Protein change: p.Leu731Ile; replaces leucine 731 with isoleucine.
Molecular consequence: missense variant. On other transcripts: non-coding transcript variant (1), intron variant (2).
Genome position (GRCh38, 1-based): chr7:5,978,680, A>T on the plus strand (T>A on the coding strand, the complement: PMS2 is on the minus strand). VCF-style: chr7-5978680-A-T. GRCh37 (hg19) VCF-style: chr7-6018311-A-T.
Other names: c.1786T>A, p.Leu596Ile (NM_001018040.1, NM_001322003.2, NM_001322004.2 and 15 more transcripts); c.2035T>A, p.Leu679Ile (NM_001322006.2, NM_001406870.1); c.1873T>A, p.Leu625Ile (NM_001322007.2, NM_001322008.2, NM_001406876.1 and 1 more transcripts); c.1630T>A, p.Leu544Ile (NM_001322010.2, NM_001406906.1, NM_001406907.1); c.1258T>A, p.Leu420Ile (NM_001322011.2, NM_001322012.2); c.1618T>A, p.Leu540Ile (NM_001322013.2, NM_001406908.1, NM_001406909.1); c.2191T>A, p.Leu731Ile (NM_001322014.2); c.1882T>A, p.Leu628Ile (NM_001322015.2, NM_001406875.1, NM_001406877.1 and 5 more transcripts); and 16 more; short protein forms L420I, L474I, L544I, L576I, L619I, L679I, L739I, L793I.
Identifiers: ClinVar variation 2562207 (VCV002562207.2), dbSNP rs553141434, ClinGen allele CA366736904.